The following is an entry in ClinVar:

NM_000191.3(HMGCL):c.561+13G>A

Gene: HMGCL (3-hydroxy-3-methylglutaryl-CoA lyase; minus strand). Cytogenetic location: 1p36.11.
Variant type: single nucleotide variant.
Coding change: c.561+13G>A on transcript NM_000191.3 (MANE Select); 13 bases into the intron after coding-DNA position 561, G replaced by A.
Molecular consequence: intron variant.
Genome position (GRCh38, 1-based): chr1:23,810,723, C>T on the plus strand (G>A on the coding strand, the complement: HMGCL is on the minus strand). VCF-style: chr1-23810723-C-T. GRCh37 (hg19) VCF-style: chr1-24137213-C-T.
Other names: c.349-2400G>A (NM_001166059.2).
Identifiers: ClinVar variation 682553 (VCV000682553.4), dbSNP rs755556712, ClinGen allele CA686052.

ClinVar aggregate classification (germline): Likely benign. Review status: criteria provided, multiple submitters, no conflicts (2 of 4 stars). 2 submissions from 2 submitters: Likely benign (2). Last evaluated 2024-01-29.

Conditions:
Deficiency of hydroxymethylglutaryl-CoA lyase (HMGCLD). Also called: HMGCL DEFICIENCY; HYDROXYMETHYLGLUTARIC ACIDURIA; HMG-CoA LYASE DEFICIENCY; Defect in leucine metabolism; 3-hydroxy-3-methylglutaric aciduria. Identifiers: Orphanet 20, MedGen C1533587, MONDO:0009520, OMIM 246450.

Allele frequency attached by ClinVar (database versions not stated): gnomAD below 0.00001 and 0.00001; ExAC 0.00005; gnomAD exomes 0.00006.
gnomAD v4.1: 36 of 1,613,518 alleles (0.0022%); highest among the groups gnomAD compares: South Asian, 0.038%; no homozygotes.

Submissions (2):

Labcorp Genetics (formerly Invitae), Labcorp
Classification: Likely benign for Deficiency of hydroxymethylglutaryl-CoA lyase. Last evaluated: 2024-01-29. Review status: criteria provided, single submitter. Criteria: Invitae Variant Classification Sherloc (09022015). Collection method: clinical testing. Allele origin: germline.

GeneDx
Classification: Likely benign. Last evaluated: 2018-05-18. Review status: criteria provided, single submitter. Criteria: GeneDx Variant Classification (06012015). Collection method: clinical testing. Allele origin: germline. Affected: yes.
Comment: This variant is considered likely benign or benign based on one or more of the following criteria: it is a conservative change, it occurs at a poorly conserved position in the protein, it is predicted to be benign by multiple in silico algorithms, and/or has population frequency not consistent with disease.